The following is an entry in ClinVar:

NM_130839.5(UBE3A):c.1820del (p.Gly607fs)

Genes: SNHG14 (small nucleolar RNA host gene 14; plus strand), UBE3A (ubiquitin protein ligase E3A; minus strand). Cytogenetic location: 15q11.2.
Variant type: Deletion.
Coding change: c.1820del on transcript NM_130839.5 (MANE Select); coding-DNA position 1820, one base deleted (G; older notation c.1820delG).
Protein change: p.Gly607fs; shifts the reading frame from glycine 607.
Molecular consequence: frameshift variant. On other transcripts: non-coding transcript variant (1).
Genome position (GRCh38, 1-based): chr15:25,356,830, C deleted on the plus strand (G on the coding strand, the reverse complement: UBE3A is on the minus strand); the first of 3 consecutive C bases (chr15:25,356,830-25,356,832); deleting any one gives the same sequence. VCF-style (leftmost placement, unchanged base first): chr15-25356829-AC-A. GRCh37 (hg19) VCF-style: chr15-25601976-AC-A.
Other names: c.1829del, p.Gly610fs (NM_000462.5); c.1820del, p.Gly607fs (NM_001354505.1, NM_001354538.2, NM_001354545.2); c.1760del, p.Gly587fs (NM_001354506.2, NM_001354507.2, NM_001354508.2 and 17 more transcripts); c.1643del, p.Gly548fs (NM_001354546.2); c.569del, p.Gly190fs (NM_001354550.2); c.509del, p.Gly170fs (NM_001354551.2); short protein forms G170fs, G190fs, G548fs, G587fs, G607fs, G610fs.
Identifiers: ClinVar variation 2444079 (VCV002444079.1), dbSNP rs2552187400, ClinGen allele CA2580089192.

ClinVar aggregate classification (germline): Likely pathogenic (1 of 4 stars; one submission).

Conditions:
Angelman syndrome (AS). Also called: HAPPY PUPPET SYNDROME. Identifiers: Orphanet 72, MedGen C0162635, MONDO:0007113, OMIM 105830. Disease mechanism: loss of function. Inheritance: AS is caused by disruption of maternally imprinted UBE3A located within the 15q11.2-q13 Angelman syndrome/Prader-Willi syndrome (AS/PWS) region., imprinting disorder.

Submission:

3billion
Classification: Likely pathogenic for Angelman syndrome. Last evaluated: 2023-02-23. Review status: criteria provided, single submitter. Criteria: ACMG Guidelines, 2015. Collection method: clinical testing. Allele origin: unknown. Affected: yes.
Comment: The variant is not observed in the gnomAD v2.1.1 dataset. This variant was predicted to result in a loss or disruption of normal protein function through nonsense-mediated decay (NMD) or protein truncation. Multiple pathogenic variants are reported downstream of the variant. Therefore, this variant is classified as Likely pathogenic according to the recommendation of ACMG/AMP guideline.